The following is an entry in ClinVar:

ClinVar aggregate classification (germline): Uncertain significance (1 of 4 stars; one submission).

Conditions:
Inborn genetic diseases. Identifiers: MedGen C0950123, MeSH D030342.

gnomAD v4.1: 7 of 1,613,938 alleles (0.00043%); highest among the groups gnomAD compares: South Asian, 0.0022%; no homozygotes.

Submission:

Ambry Genetics
Classification: Uncertain significance for Inborn genetic diseases. Last evaluated: 2026-06-23. Review status: criteria provided, single submitter. Criteria: Ambry Variant Classification Scheme 2023. Collection method: clinical testing. Allele origin: germline.
Comment: The c.2344C>T (p.P782S) alteration is located in exon 21 (coding exon 21) of the UBR1 gene. This alteration results from a C to T substitution at nucleotide position 2344, causing the proline (P) at amino acid position 782 to be replaced by a serine (S). Based on data from gnomAD, the T allele has an overall frequency of <0.001% (1/251386) total alleles studied. The highest observed frequency was 0.003% (1/30616) of South Asian alleles. Based on insufficient or conflicting evidence, the clinical significance of this alteration remains unclear.

NM_174916.3(UBR1):c.2344C>T (p.Pro782Ser)

Gene: UBR1 (ubiquitin protein ligase E3 component n-recognin 1; minus strand). Cytogenetic location: 15q15.2.
Variant type: single nucleotide variant.
Coding change: c.2344C>T on transcript NM_174916.3 (MANE Select); coding-DNA position 2344, C replaced by T.
Protein change: p.Pro782Ser; replaces proline 782 with serine.
Molecular consequence: missense variant.
Genome position (GRCh38, 1-based): chr15:43,029,979, G>A on the plus strand (C>T on the coding strand, the complement: UBR1 is on the minus strand). VCF-style: chr15-43029979-G-A. GRCh37 (hg19) VCF-style: chr15-43322177-G-A.
Other names: short protein forms P782S.
Identifiers: ClinVar variation 5031567 (VCV005031567.1).